The following is an entry in ClinVar:

ClinVar aggregate classification (germline): Pathogenic. Review status: criteria provided, multiple submitters, no conflicts (2 of 4 stars). 4 submissions from 4 submitters: Pathogenic (3). 1 of the submissions does not count toward it. Last evaluated 2025-02-26.

Conditions:
Familial adenomatous polyposis 1 (FAP1). Also called: FAMILIAL ADENOMATOUS POLYPOSIS 1, ATTENUATED; POLYPOSIS, ADENOMATOUS INTESTINAL. Identifiers: MedGen C2713442, MONDO:0021056, OMIM 175100. Disease mechanism: loss of function.
Gardner syndrome (GS). Also called: Gardner's syndrome; Polyposis coli and multiple hard and soft tissue tumors; Intestinal polyposis, osteomas, sebaceous cysts. Identifiers: MedGen C0017097, MONDO:0019336. Disease mechanism: loss of function.
Hereditary cancer-predisposing syndrome. Also called: Hereditary Cancer Syndrome; Tumor predisposition; Hereditary neoplastic syndrome; Neoplastic Syndromes, Hereditary. Identifiers: Orphanet 140162, MedGen C0027672, MeSH D009386, MONDO:0015356.

Submissions (4):

Labcorp Genetics (formerly Invitae), Labcorp
Classification: Pathogenic for Familial adenomatous polyposis 1. Last evaluated: 2025-02-26. Review status: criteria provided, single submitter. Criteria: Invitae Variant Classification Sherloc (09022015). Collection method: clinical testing. Allele origin: germline.
Comment: This sequence change creates a premature translational stop signal (p.Gln208*) in the APC gene. It is expected to result in an absent or disrupted protein product. Loss-of-function variants in APC are known to be pathogenic (PMID: 17963004, 20685668). This variant is not present in population databases (gnomAD no frequency). This premature translational stop signal has been observed in individual(s) with familial adenomatous polyposis (PMID: 10982189, 20685668). ClinVar contains an entry for this variant (Variation ID: 839). For these reasons, this variant has been classified as Pathogenic.

Ambry Genetics
Classification: Pathogenic for Hereditary cancer-predisposing syndrome. Last evaluated: 2024-11-06. Review status: criteria provided, single submitter. Criteria: Ambry Variant Classification Scheme 2023. Collection method: clinical testing. Allele origin: germline.
Comment: The p.Q208* pathogenic mutation (also known as c.622C>T), located in coding exon 5 of the APC gene, results from a C to T substitution at nucleotide position 622. This changes the amino acid from a glutamine to a stop codon within coding exon 5. This mutation has been reported in multiple patients with clinical diagnosis of familial adenomatous polyposis (FAP) or suspicion of attenuated FAP (Su LK et al. Hum. Genet., 2000 Jan;106:101-7; Aceto G et al. Hum. Mutat., 2005 Oct;26:394; Lagarde A et al. J. Med. Genet., 2010 Oct;47:721-2). This variant is considered to be rare based on population cohorts in the Genome Aggregation Database (gnomAD). In addition to the clinical data presented in the literature, this alteration is expected to result in loss of function by premature protein truncation or nonsense-mediated mRNA decay. As such, this alteration is interpreted as a disease-causing mutation.

Myriad Genetics, Inc.
Classification: Pathogenic for Familial adenomatous polyposis 1. Last evaluated: 2023-04-27. Review status: criteria provided, single submitter. Criteria: Myriad Autosomal Dominant, Autosomal Recessive and X-Linked Classification Criteria (2023). Collection method: clinical testing. Allele origin: unknown.
Comment: This variant is considered pathogenic. This variant creates a termination codon and is predicted to result in premature protein truncation.

OMIM
Classification: Pathogenic for GARDNER SYNDROME. Last evaluated: 2001-07-15. Review status: no assertion criteria provided. Collection method: literature only. Allele origin: unknown. Not counted in ClinVar's aggregate classification.

Literature cited by the submitters: PubMed 17963004 (cited by Labcorp Genetics (formerly Invitae), Labcorp); PubMed 20685668 (cited by Labcorp Genetics (formerly Invitae), Labcorp and Ambry Genetics); PubMed 10982189 (cited by Labcorp Genetics (formerly Invitae), Labcorp and Ambry Genetics); PubMed 16134147 (cited by Ambry Genetics); PubMed 2164769 (cited by OMIM); PubMed 11466687 (cited by OMIM).

NM_000038.6(APC):c.622C>T (p.Gln208Ter)

Gene: APC (APC regulator of Wnt signaling pathway; plus strand). Cytogenetic location: 5q22.2.
Variant type: single nucleotide variant.
Coding change: c.622C>T on transcript NM_000038.6 (MANE Select); coding-DNA position 622, C replaced by T.
Protein change: p.Gln208Ter; replaces glutamine 208 with a stop codon.
Molecular consequence: nonsense. On other transcripts: 5 prime UTR variant (1).
Genome position (GRCh38, 1-based): chr5:112,780,880, C>T. VCF-style: chr5-112780880-C-T. GRCh37 (hg19) VCF-style: chr5-112116577-C-T.
Other names: c.622C>T, p.Gln208Ter (NM_001127510.3, NM_001354895.2, NM_001354896.2 and 2 more transcripts); c.652C>T, p.Gln218Ter (NM_001127511.3, NM_001354897.2, NM_001354902.2); c.547C>T, p.Gln183Ter (NM_001354898.2, NM_001354904.2); c.445C>T, p.Gln149Ter (NM_001354900.2, NM_001354901.2, NM_001354905.2); c.-414C>T (NM_001354906.2); short protein forms Q208*, Q218*, Q149*, Q183*.
Identifiers: ClinVar variation 839 (VCV000000839.11), dbSNP rs137854583, ClinGen allele CA011031.